The following is an entry in ClinVar:

ClinVar aggregate classification (germline): Uncertain significance. Review status: criteria provided, multiple submitters, no conflicts (2 of 4 stars). 2 submissions from 2 submitters: Uncertain significance (2). Last evaluated 2024-04-03.

Conditions:
Glucocorticoid-remediable aldosteronism. Also called: ACTH-DEPENDENT HYPERALDOSTERONISM SYNDROME; ALDOSTERONISM, SENSITIVE TO DEXAMETHASONE; FH I; GLUCOCORTICOID-SUPPRESSIBLE HYPERALDOSTERONISM; Hyperaldosteronism, familial, type I. Identifiers: Orphanet 403, MedGen C3838731, MONDO:0007080, OMIM 103900.
Deficiency of steroid 11-beta-monooxygenase (CYP11B1). Also called: ADRENAL HYPERPLASIA, CONGENITAL, DUE TO STEROID 11-BETA-HYDROXYLASE DEFICIENCY; 11-BETA-HYDROXYLASE DEFICIENCY; P450C11B1 DEFICIENCY; STEROID 11-BETA-HYDROXYLASE DEFICIENCY; Congenital adrenal hyperplasia due to 11-beta-hydroxylase deficiency; ADRENAL HYPERPLASIA IV. Identifiers: Orphanet 90795, MedGen C0268292, MONDO:0008729, OMIM 202010. Disease mechanism: loss of function.

Submissions (2):

Labcorp Genetics (formerly Invitae), Labcorp
Classification: Uncertain significance. Last evaluated: 2024-04-03. Review status: criteria provided, single submitter. Criteria: Invitae Variant Classification Sherloc (09022015). Collection method: clinical testing. Allele origin: germline.
Comment: This sequence change replaces arginine, which is basic and polar, with cysteine, which is neutral and slightly polar, at codon 123 of the CYP11B1 protein (p.Arg123Cys). This variant is present in population databases (rs145050906, gnomAD 0.008%). This variant has not been reported in the literature in individuals affected with CYP11B1-related conditions. Advanced modeling of protein sequence and biophysical properties (such as structural, functional, and spatial information, amino acid conservation, physicochemical variation, residue mobility, and thermodynamic stability) performed at Invitae indicates that this missense variant is not expected to disrupt CYP11B1 protein function with a negative predictive value of 95%. In summary, the available evidence is currently insufficient to determine the role of this variant in disease. Therefore, it has been classified as a Variant of Uncertain Significance.

Fulgent Genetics
Classification: Uncertain significance for Glucocorticoid-remediable aldosteronism; Deficiency of steroid 11-beta-monooxygenase. Last evaluated: 2024-03-13. Review status: criteria provided, single submitter. Criteria: ACMG Guidelines, 2015. Collection method: clinical testing. Allele origin: germline.

NM_000497.4(CYP11B1):c.367C>T (p.Arg123Cys)

Gene: CYP11B1 (cytochrome P450 family 11 subfamily B member 1; minus strand). Cytogenetic location: 8q24.3.
Variant type: single nucleotide variant.
Coding change: c.367C>T on transcript NM_000497.4 (MANE Select); coding-DNA position 367, C replaced by T.
Protein change: p.Arg123Cys; replaces arginine 123 with cysteine.
Molecular consequence: missense variant.
Genome position (GRCh38, 1-based): chr8:142,879,060, G>A on the plus strand (C>T on the coding strand, the complement: CYP11B1 is on the minus strand). VCF-style: chr8-142879060-G-A. GRCh37 (hg19) VCF-style: chr8-143960476-G-A.
Other names: c.367C>T, p.Arg123Cys (NM_001026213.1); short protein forms R123C.
Identifiers: ClinVar variation 3595340 (VCV003595340.2).
Genomic context (GRCh38, chr8:142,879,060, plus strand): 5'-ACCCTGCTCCCAGCTCTCAGCTCGCCGCTTACAGCAAGAACACGCCACATTTGTGCCCAC[G>A]ATGTTGTCTGTAGGCCACCCAGGGCTCCAGGCTCATCCTGTGGGGATGCAGGCTGTCCAC-3'
Protein context (NP_000488.3, residues 113-133): LEPWVAYRQH[Arg123Cys]GHKCGVFLLN